The following is an entry in ClinVar:

NM_182931.3(KMT2E):c.4884TCC[5] (p.Pro1634_Ala1635insProPro)

Gene: KMT2E (lysine methyltransferase 2E (inactive); plus strand). Cytogenetic location: 7q22.3.
Variant type: Microsatellite.
Coding change: c.4884TCC[5] on transcript NM_182931.3 (MANE Select); five copies in a row of the 3-base unit TCC starting at c.4884; the reference has three copies in a row; two copies, 6 bases duplicated.
Protein change: p.Pro1634_Ala1635insProPro.
Molecular consequence: inframe insertion. On other transcripts: inframe indel (1).
Genome position (GRCh38, 1-based): chr7:105,112,643-105,112,648, TCCTCC duplicated; duplicating any 6 consecutive bases within chr7:105,112,638-105,112,648 gives the same sequence; the position shown is the placement nearest the transcript's 3' end. VCF-style (leftmost placement, unchanged base first): chr7-105112637-C-CCCTCCT. GRCh37 (hg19) VCF-style: chr7-104753084-C-CCCTCCT.
Other names: c.4758_4760TCC[5], p.Pro1592_Ala1593insProPro (NM_001410908.1); c.4884TCC[5], p.Pro1634_Ala1635insProPro (NM_018682.4).
Identifiers: ClinVar variation 1810064 (VCV001810064.3), dbSNP rs1016692148, ClinGen allele CA577197557.

ClinVar aggregate classification (germline): Uncertain significance. Review status: criteria provided, multiple submitters, no conflicts (2 of 4 stars). 2 submissions from 2 submitters: Uncertain significance (2). Last evaluated 2025-10-13.

Submissions (2):

Labcorp Genetics (formerly Invitae), Labcorp
Classification: Uncertain significance. Last evaluated: 2025-10-13. Review status: criteria provided, single submitter. Criteria: Invitae Variant Classification Sherloc (09022015). Collection method: clinical testing. Allele origin: germline.
Comment: This variant, c.4887_4892dup, results in the insertion of 2 amino acid(s) of the KMT2E protein (p.Pro1633_Pro1634dup), but otherwise preserves the integrity of the reading frame. This variant is present in population databases (no rsID available, gnomAD 0.007%). This variant has not been reported in the literature in individuals affected with KMT2E-related conditions. ClinVar contains an entry for this variant (Variation ID: 1810064). In summary, the available evidence is currently insufficient to determine the role of this variant in disease. Therefore, it has been classified as a Variant of Uncertain Significance.

GeneDx
Classification: Uncertain significance. Last evaluated: 2022-07-01. Review status: criteria provided, single submitter. Criteria: GeneDx Variant Classification Process June 2021. Collection method: clinical testing. Allele origin: germline. Affected: yes.
Comment: In-frame deletion of 2 amino acids in a repetitive region with no known function; Has not been previously published as pathogenic or benign to our knowledge